The following is an entry in ClinVar:

NM_001304548.2(CFAP47):c.8813C>T (p.Pro2938Leu)

Gene: CFAP47 (cilia and flagella associated protein 47; plus strand). Cytogenetic location: Xp21.1.
Variant type: single nucleotide variant.
Coding change: c.8813C>T on transcript NM_001304548.2 (MANE Select); coding-DNA position 8813, C replaced by T.
Protein change: p.Pro2938Leu; replaces proline 2938 with leucine.
Molecular consequence: missense variant.
Genome position (GRCh38, 1-based): chrX:36,353,643, C>T. VCF-style: chrX-36353643-C-T. GRCh37 (hg19) VCF-style: chrX-36371758-C-T.
Other names: short protein forms P2938L.
Identifiers: ClinVar variation 2633679 (VCV002633679.1), dbSNP rs1281169418, ClinGen allele CA412700015.

ClinVar aggregate classification (germline): Uncertain significance (1 of 4 stars; one submission).

Conditions:
CFAP47-related disorder. Also called: CFAP47-related condition.

Allele frequency attached by ClinVar (database versions not stated): gnomAD 0.00001; TOPMed 0.00002.
gnomAD v4.1: 1 of 1,158,114 alleles (0.000086%); highest among the groups gnomAD compares: African/African-American, 0.0018%; no homozygotes.

Submission:

PreventionGenetics, part of Exact Sciences
Classification: Uncertain significance for CFAP47-related condition. Last evaluated: 2023-03-28. Review status: criteria provided, single submitter. Criteria: ACMG Guidelines, 2015. Collection method: clinical testing. Allele origin: germline.
Comment: The CFAP47 c.8813C>T variant is predicted to result in the amino acid substitution p.Pro2938Leu. To our knowledge, this variant has not been reported in the literature or in a large population database, indicating this variant is rare. At this time, the clinical significance of this variant is uncertain due to the absence of conclusive functional and genetic evidence.